The following is an entry in ClinVar:

ClinVar aggregate classification (germline): Uncertain significance (1 of 4 stars; one submission).

Conditions:
Autosomal recessive limb-girdle muscular dystrophy type 2P. Also called: Limb-Girdle Muscular Dystrophy Type 9C; MUSCULAR DYSTROPHY, LIMB-GIRDLE, TYPE 2P; MUSCULAR DYSTROPHY-DYSTROGLYCANOPATHY, LIMB-GIRDLE, DAG1-RELATED. Identifiers: Orphanet 280333, MedGen C4511963, MONDO:0013440, OMIM 613818.
Muscular dystrophy-dystroglycanopathy (congenital with brain and eye anomalies), type A9. Also called: WALKER-WARBURG SYNDROME OR MUSCLE-EYE BRAIN DISEASE, DAG1-RELATED; Muscular dystrophy-dystroglycanopathy (congenital with brain and eye anomalies), type a, 9. Identifiers: Orphanet 370997, Orphanet 899, MedGen C4225291, MONDO:0014683, OMIM 616538.

Submission:

Labcorp Genetics (formerly Invitae), Labcorp
Classification: Uncertain significance for Autosomal recessive limb-girdle muscular dystrophy type 2P; Muscular dystrophy-dystroglycanopathy (congenital with brain and eye anomalies), type A9. Last evaluated: 2022-07-17. Review status: criteria provided, single submitter. Criteria: Invitae Variant Classification Sherloc (09022015). Collection method: clinical testing. Allele origin: germline.
Comment: This variant has not been reported in the literature in individuals affected with DAG1-related conditions. Experimental studies and prediction algorithms are not available or were not evaluated, and the functional significance of this variant is currently unknown. In summary, the available evidence is currently insufficient to determine the role of this variant in disease. Therefore, it has been classified as a Variant of Uncertain Significance. This variant is not present in population databases (gnomAD no frequency). This sequence change creates a premature translational stop signal (p.His161Glnfs*4) in the DAG1 gene. While this is not anticipated to result in nonsense mediated decay, it is expected to disrupt the last 735 amino acid(s) of the DAG1 protein.

NM_004393.6(DAG1):c.479_482dup (p.His161fs)

Gene: DAG1 (dystroglycan 1; plus strand). Cytogenetic location: 3p21.31.
Variant type: Duplication.
Coding change: c.479_482dup on transcript NM_004393.6 (MANE Select); coding-DNA positions 479 to 482, 4 bases duplicated (ACCA; older notation c.479_482dupACCA).
Protein change: p.His161fs; shifts the reading frame from histidine 161.
Molecular consequence: frameshift variant.
Genome position (GRCh38, 1-based): chr3:49,530,990-49,530,993, ACCA duplicated. VCF-style (leftmost placement, unchanged base first): chr3-49530989-G-GACCA. GRCh37 (hg19) VCF-style: chr3-49568422-G-GACCA.
Other names: c.479_482dup, p.His161fs (NM_001177641.3, NM_001177642.3, NM_001177643.3 and 9 more transcripts); short protein forms H161fs.
Identifiers: ClinVar variation 2017977 (VCV002017977.4), dbSNP rs2472598752, ClinGen allele CA2580070065.